The following is an entry in ClinVar:

NM_001206927.2(DNAH8):c.4349G>A (p.Arg1450Lys)

Gene: DNAH8 (dynein axonemal heavy chain 8; plus strand). Cytogenetic location: 6p21.2.
Variant type: single nucleotide variant.
Coding change: c.4349G>A on transcript NM_001206927.2 (MANE Select); coding-DNA position 4349, G replaced by A.
Protein change: p.Arg1450Lys; replaces arginine 1450 with lysine.
Molecular consequence: missense variant.
Genome position (GRCh38, 1-based): chr6:38,834,625, G>A. VCF-style: chr6-38834625-G-A. GRCh37 (hg19) VCF-style: chr6-38802401-G-A.
Other names: c.3698G>A, p.Arg1233Lys (NM_001371.4); c.4349G>A (NM_001206927.1); short protein forms R1233K, R1450K.
Identifiers: ClinVar variation 1401387 (VCV001401387.15), dbSNP rs145520125, ClinGen allele CA3789108.

ClinVar aggregate classification (germline): Uncertain significance. Review status: criteria provided, multiple submitters, no conflicts (2 of 4 stars). 2 submissions from 2 submitters: Uncertain significance (2). Last evaluated 2025-08-02.

Conditions:
Primary ciliary dyskinesia. Also called: Ciliary dyskinesia. Identifiers: Orphanet 244, MedGen C0008780, MONDO:0016575, HP:0012265.

Allele frequency attached by ClinVar (database versions not stated): gnomAD exomes below 0.00001; gnomAD 0.00001; TOPMed 0.00001; ExAC 0.00002; ESP Exome Variant Server 0.00008.
gnomAD v4.1: 6 of 1,607,338 alleles (0.00037%); highest among the groups gnomAD compares: African/African-American, 0.0013%; no homozygotes.

Submissions (2):

Ambry Genetics
Classification: Uncertain significance. Last evaluated: 2025-08-02. Review status: criteria provided, single submitter. Criteria: Ambry Variant Classification Scheme 2023. Collection method: clinical testing. Allele origin: germline.

Labcorp Genetics (formerly Invitae), Labcorp
Classification: Uncertain significance for Primary ciliary dyskinesia. Last evaluated: 2021-01-16. Review status: criteria provided, single submitter. Criteria: Invitae Variant Classification Sherloc (09022015). Collection method: clinical testing. Allele origin: germline.
Comment: In summary, the available evidence is currently insufficient to determine the role of this variant in disease. Therefore, it has been classified as a Variant of Uncertain Significance. Algorithms developed to predict the effect of missense changes on protein structure and function are either unavailable or do not agree on the potential impact of this missense change (SIFT: "Deleterious"; PolyPhen-2: "Not Available"; Align-GVGD: "Class C0"). This variant has not been reported in the literature in individuals with DNAH8-related conditions. This variant is present in population databases (rs145520125, ExAC 0.009%). This sequence change replaces arginine with lysine at codon 1450 of the DNAH8 protein (p.Arg1450Lys). The arginine residue is moderately conserved and there is a small physicochemical difference between arginine and lysine.